The following is an entry in ClinVar:

ClinVar aggregate classification (germline): Pathogenic (1 of 4 stars; one submission).

Conditions:
Intellectual disability, autosomal recessive 53 (NEDHSCA). Also called: GLYCOSYLPHOSPHATIDYLINOSITOL BIOSYNTHESIS DEFECT 13; Mental retardation, autosomal recessive 53; NEURODEVELOPMENTAL DISORDER WITH OR WITHOUT HYPOTONIA, SEIZURES, AND CEREBELLAR ATROPHY. Identifiers: Orphanet 488635, MedGen C4310794, MONDO:0014832, OMIM 616917.

Submission:

Labcorp Genetics (formerly Invitae), Labcorp
Classification: Pathogenic for Intellectual disability, autosomal recessive 53. Last evaluated: 2018-08-14. Review status: criteria provided, single submitter. Criteria: Invitae Variant Classification Sherloc (09022015). Collection method: clinical testing. Allele origin: germline.
Comment: This variant has not been reported in the literature in individuals with PIGG-related disease. This sequence change creates a premature translational stop signal (p.Ser497Phefs*106) in the PIGG gene. It is expected to result in an absent or disrupted protein product. This variant is not present in population databases (ExAC no frequency). Loss-of-function variants in PIGG are known to be pathogenic (PMID: 26996948, 28581210, 28771251). For these reasons, this variant has been classified as Pathogenic.

Literature cited by the submitters: PubMed 26996948; PubMed 28581210; PubMed 28771251.

NM_001127178.3(PIGG):c.1489dup (p.Ser497fs)

Gene: PIGG (phosphatidylinositol glycan anchor biosynthesis class G (EMM blood group); plus strand). Cytogenetic location: 4p16.3.
Variant type: Duplication.
Coding change: c.1489dup on transcript NM_001127178.3 (MANE Select); coding-DNA position 1489, one base duplicated (T; older notation c.1489dupT).
Protein change: p.Ser497fs; shifts the reading frame from serine 497.
Molecular consequence: frameshift variant. On other transcripts: 3 prime UTR variant (2), 5 prime UTR variant (2), non-coding transcript variant (10).
Genome position (GRCh38, 1-based): chr4:521,816, T duplicated; the last of 2 consecutive T bases (chr4:521,815-521,816); duplicating either gives the same sequence. VCF-style (leftmost placement, unchanged base first): chr4-521814-G-GT. GRCh37 (hg19) VCF-style: chr4-515603-G-GT.
Other names: c.1222dup, p.Ser408fs (NM_001289051.2, NM_001289053.2, NM_001345986.2); c.1090dup, p.Ser364fs (NM_001289052.2); c.*51dup (NM_001289055.2); c.*104dup (NM_001289057.2); c.1198dup, p.Ser400fs (NM_001345987.2); c.460dup, p.Ser154fs (NM_001345988.2); c.1489dup, p.Ser497fs (NM_001345989.2); c.-45dup (NM_001345990.2, NM_001345991.2); and 3 more; short protein forms S364fs, S489fs, S131fs, S400fs, S497fs, S154fs, S408fs.
Identifiers: ClinVar variation 661596 (VCV000661596.7), dbSNP rs1577094794, ClinGen allele CA915942993.
Genomic context (GRCh38, chr4:521,814, plus strand): 5'-TTTATTTGGTGATCCTGGTTCTTTCGGCCGTTCACGTCATTGTGTGCACCTCAGCTGAAA[G>GT]TTCGTGCTACTTCTGTGGCCTCTCGTGGCTGGCGGCAGGTGGGGTGATGGTGCTGGCCTC-3'